The following is an entry in ClinVar:

NM_004006.3(DMD):c.10000del (p.Tyr3334fs)

Gene: DMD (dystrophin; minus strand). Cytogenetic location: Xp21.2.
Variant type: Deletion.
Coding change: c.10000del on transcript NM_004006.3 (MANE Select); coding-DNA position 10000, one base deleted (T; older notation c.10000delT).
Protein change: p.Tyr3334fs; shifts the reading frame from tyrosine 3334.
Molecular consequence: frameshift variant.
Genome position (GRCh38, 1-based): chrX:31,180,456, A deleted on the plus strand (T on the coding strand, the reverse complement: DMD is on the minus strand); the first of 2 consecutive A bases (chrX:31,180,456-31,180,457); deleting either gives the same sequence. VCF-style (leftmost placement, unchanged base first): chrX-31180455-TA-T. GRCh37 (hg19) VCF-style: chrX-31198572-TA-T.
Other names: c.10000del (NM_004006.2); c.9976del, p.Tyr3326fs (NM_000109.4); c.9988del, p.Tyr3330fs (NM_004009.3); c.9631del, p.Tyr3211fs (NM_004010.3); c.5977del, p.Tyr1993fs (NM_004011.4); c.5968del, p.Tyr1990fs (NM_004012.4); c.2620del, p.Tyr874fs (NM_004013.3, NM_004020.4, NM_004021.3 and 2 more transcripts); c.1813del, p.Tyr605fs (NM_004014.3); and 1 more; short protein forms Y1990fs, Y1993fs, Y266fs, Y3211fs, Y3326fs, Y3330fs, Y3334fs, Y605fs.
Identifiers: ClinVar variation 1069919 (VCV001069919.9), dbSNP rs2148311910, ClinGen allele CA2499226619.
Genomic context (GRCh38, chrX:31,180,455, plus strand): 5'-TAGTGCATTTTATGGCCTTTTGCAACTCGACCAGAAAAAAAGCAGCTTTGGCAGATGTCA[TA>T]ATTAAAGTGCTTTAGACTCCTGTACCTGATAAAGAGCAAAAACAAACACGTATGTATTTC-3'

ClinVar aggregate classification (germline): Pathogenic/Likely pathogenic. Review status: criteria provided, multiple submitters, no conflicts (2 of 4 stars). 2 submissions from 2 submitters: Pathogenic (1); Likely pathogenic (1). Last evaluated 2025-04-24.

Conditions:
Duchenne muscular dystrophy (DMD). Also called: MUSCULAR DYSTROPHY, PSEUDOHYPERTROPHIC PROGRESSIVE, DUCHENNE TYPE; Duchenne Muscular Dystrophy (DMD). Identifiers: Orphanet 98896, MedGen C0013264, MONDO:0010679, OMIM 310200.

Submissions (2):

Revvity Omics, Revvity
Classification: Likely pathogenic. Last evaluated: 2025-04-24. Review status: criteria provided, single submitter. Criteria: ACMG Guidelines, 2015. Collection method: clinical testing. Allele origin: germline.

Labcorp Genetics (formerly Invitae), Labcorp
Classification: Pathogenic for Duchenne muscular dystrophy. Last evaluated: 2020-02-05. Review status: criteria provided, single submitter. Criteria: Invitae Variant Classification Sherloc (09022015). Collection method: clinical testing. Allele origin: germline.
Comment: This variant has not been reported in the literature in individuals with DMD-related conditions. For these reasons, this variant has been classified as Pathogenic. Loss-of-function variants in DMD are known to be pathogenic (PMID: 16770791, 25007885). This variant is not present in population databases (ExAC no frequency). This sequence change creates a premature translational stop signal (p.Tyr3334Metfs*43) in the DMD gene. It is expected to result in an absent or disrupted protein product.

Literature cited by the submitters: PubMed 16770791 (cited by Labcorp Genetics (formerly Invitae), Labcorp); PubMed 25007885 (cited by Labcorp Genetics (formerly Invitae), Labcorp).